The following is an entry in ClinVar:

ClinVar aggregate classification (germline): Uncertain significance (1 of 4 stars; one submission).

Conditions:
Charcot-Marie-Tooth disease axonal type 2P. Also called: CHARCOT-MARIE-TOOTH DISEASE, AXONAL, TYPE 2G; CMT 2G; CHARCOT-MARIE-TOOTH NEUROPATHY, TYPE 2P; Charcot-Marie-Tooth Neuropathy Type 2G. Identifiers: Orphanet 300319, Orphanet 99941, MedGen C3280797, MONDO:0013753, OMIM 614436.

Submission:

Labcorp Genetics (formerly Invitae), Labcorp
Classification: Uncertain significance for Charcot-Marie-Tooth disease axonal type 2P. Last evaluated: 2024-10-12. Review status: criteria provided, single submitter. Criteria: Invitae Variant Classification Sherloc (09022015). Collection method: clinical testing. Allele origin: germline.
Comment: This sequence change replaces serine, which is neutral and polar, with threonine, which is neutral and polar, at codon 408 of the LRSAM1 protein (p.Ser408Thr). This variant is not present in population databases (gnomAD no frequency). This variant has not been reported in the literature in individuals affected with LRSAM1-related conditions. Invitae Evidence Modeling of protein sequence and biophysical properties (such as structural, functional, and spatial information, amino acid conservation, physicochemical variation, residue mobility, and thermodynamic stability) indicates that this missense variant is not expected to disrupt LRSAM1 protein function with a negative predictive value of 80%. In summary, the available evidence is currently insufficient to determine the role of this variant in disease. Therefore, it has been classified as a Variant of Uncertain Significance.

NM_001005373.4(LRSAM1):c.1222T>A (p.Ser408Thr)

Gene: LRSAM1 (leucine rich repeat and sterile alpha motif containing 1; plus strand). Cytogenetic location: 9q33.3.
Variant type: single nucleotide variant.
Coding change: c.1222T>A on transcript NM_001005373.4 (MANE Select); coding-DNA position 1222, T replaced by A.
Protein change: p.Ser408Thr; replaces serine 408 with threonine.
Molecular consequence: missense variant. On other transcripts: non-coding transcript variant (2).
Genome position (GRCh38, 1-based): chr9:127,485,798, T>A. VCF-style: chr9-127485798-T-A. GRCh37 (hg19) VCF-style: chr9-130248077-T-A.
Other names: c.1222T>A, p.Ser408Thr (NM_001005374.4, NM_001190723.3, NM_001384142.1 and 2 more transcripts); c.433T>A, p.Ser145Thr (NM_001384144.1); short protein forms S408T, S145T.
Identifiers: ClinVar variation 3704441 (VCV003704441.2).